The following is an entry in ClinVar:

ClinVar aggregate classification (germline): Benign. Review status: criteria provided, multiple submitters, no conflicts (2 of 4 stars). 2 submissions from 2 submitters: Benign (2). Last evaluated 2018-01-13.

Conditions:
Woodhouse-Sakati syndrome. Also called: Hypogonadism, Alopecia, Diabetes Mellitus, Mental Retardation, and Extrapyramidal Syndrome; Hypogonadism, diabetes mellitus, alopecia, mental retardation and electrocardiographic abnormalities; EXTRAPYRAMIDAL DISORDER, PROGRESSIVE, WITH PRIMARY HYPOGONADISM, MENTAL RETARDATION, AND ALOPECIA. Identifiers: Orphanet 3464, MedGen C0342286, MONDO:0009419, OMIM 241080.

Allele frequency attached by ClinVar (database versions not stated): gnomAD 0.24511 and 0.24812; TOPMed 0.25156; gnomAD exomes 0.27434 and 0.25930; 1000 Genomes Project 30x 0.27561; ExAC 0.28250; 1000 Genomes Project 0.27177.
gnomAD v4.1: 115,848 of 453,712 alleles (26%); highest among the groups gnomAD compares: Admixed American, 36%; 15,473 homozygotes.

Submissions (2):

Illumina Laboratory Services, Illumina
Classification: Benign for Woodhouse-Sakati syndrome. Last evaluated: 2018-01-13. Review status: criteria provided, single submitter. Criteria: ICSL Variant Classification Criteria 13 December 2019. Collection method: clinical testing. Allele origin: germline.
Comment: This variant was observed in the ICSL laboratory as part of a predisposition screen in an ostensibly healthy population. It had not been previously curated by ICSL or reported in the Human Gene Mutation Database (HGMD: prior to June 1st, 2018), and was therefore a candidate for classification through an automated scoring system. Utilizing variant allele frequency, disease prevalence and penetrance estimates, and inheritance mode, an automated score was calculated to assess if this variant is too frequent to cause the disease. Based on the score and internal cut-off values, a variant classified as benign is not then subjected to further curation. The score for this variant resulted in a classification of benign for this disease.

Breakthrough Genomics
Classification: Benign. Review status: criteria provided, single submitter. Criteria: ACMG Guidelines, 2015. Collection method: not provided. Allele origin: germline. Inheritance: Autosomal recessive inheritance. Affected: yes.

NM_025000.4(DCAF17):c.*2795T>C

Gene: DCAF17 (DDB1 and CUL4 associated factor 17; plus strand). Cytogenetic location: 2q31.1.
Variant type: single nucleotide variant.
Coding change: c.*2795T>C on transcript NM_025000.4 (MANE Select); 2795 bases downstream of the stop codon, T replaced by C.
Molecular consequence: 3 prime UTR variant. On other transcripts: non-coding transcript variant (1).
Genome position (GRCh38, 1-based): chr2:171,483,909, T>C. VCF-style: chr2-171483909-T-C. GRCh37 (hg19) VCF-style: chr2-172340419-T-C.
Other names: c.*2795T>C (NM_001164821.2).
Identifiers: ClinVar variation 332306 (VCV000332306.6), dbSNP rs17221346, ClinGen allele CA1965132.
Genomic context (GRCh38, chr2:171,483,909, plus strand): 5'-AGAGGTGGGAAACATAACCAGATTTGTTCGGCATGAACTTGTGCCAAATTTCCTCCAAAG[T>C]TCTCAAAAGGCAAGGCATGTTATTTTATCCCAATTTAGCATACCAACAACTATAATACTA-3'